The following is an entry in ClinVar:

ClinVar aggregate classification (germline): Likely pathogenic. Review status: criteria provided, multiple submitters, no conflicts (2 of 4 stars). 8 submissions from 8 submitters: Likely pathogenic (5). 3 of the submissions do not count toward it. Last evaluated 2024-08-19.

Conditions:
Microcephaly, normal intelligence and immunodeficiency (NBS). Also called: Microcephaly with normal intelligence immunodeficiency and lymphoreticular malignancies; Nonsyndromal microcephaly autosomal recessive with normal intelligence; Seemanova syndrome 2; SEEMANOVA SYNDROME II; Ataxia telangiectasia variant V1; Immunodeficiency, microcephaly with normal intelligence. Identifiers: Orphanet 647, MedGen C0398791, MONDO:0009623, OMIM 251260.
Hereditary cancer-predisposing syndrome. Also called: Tumor predisposition; Hereditary Cancer Syndrome; Hereditary neoplastic syndrome; Neoplastic Syndromes, Hereditary. Identifiers: Orphanet 140162, MedGen C0027672, MeSH D009386, MONDO:0015356.
Aplastic anemia. Identifiers: Orphanet 182040, Orphanet 88, MedGen C0002874, MONDO:0015909, OMIM 609135, HP:0001915.

gnomAD v4.1: 4 of 1,612,554 alleles (0.00025%); highest among the groups gnomAD compares: Non-Finnish European, 0.00034%; no homozygotes.

Submissions (8):

Ambry Genetics
Classification: Likely pathogenic for Hereditary cancer-predisposing syndrome. Last evaluated: 2024-08-19. Review status: criteria provided, single submitter. Criteria: Ambry Variant Classification Scheme 2023. Collection method: clinical testing. Allele origin: germline.
Comment: The c.171+1G>A intronic variant results from a G to A substitution one nucleotide after coding exon 2 of the NBN gene. This nucleotide position is highly conserved in available vertebrate species. In silico splice site analysis predicts that this alteration will weaken the native splice donor site. RNA studies have demonstrated that this alteration results in abnormal splicing in the set of samples tested (Ambry internal data). This variant is considered to be rare based on population cohorts in the Genome Aggregation Database (gnomAD). Alterations that disrupt the canonical splice site are expected to cause aberrant splicing, resulting in an abnormal protein or a transcript that is subject to nonsense-mediated mRNA decay. As such, this alteration is classified as likely pathogenic.

Baylor Genetics
Classification: Likely pathogenic for Aplastic anemia. Last evaluated: 2024-03-04. Review status: criteria provided, single submitter. Criteria: ACMG Guidelines, 2015. Collection method: clinical testing. Allele origin: unknown.

Labcorp Genetics (formerly Invitae), Labcorp
Classification: Likely pathogenic for Microcephaly, normal intelligence and immunodeficiency. Last evaluated: 2023-09-23. Review status: criteria provided, single submitter. Criteria: Invitae Variant Classification Sherloc (09022015). Collection method: clinical testing. Allele origin: germline.
Comment: This sequence change affects a donor splice site in intron 2 of the NBN gene. RNA analysis indicates that disruption of this splice site induces altered splicing and may result in an absent or disrupted protein product. This variant is not present in population databases (gnomAD no frequency). This variant has not been reported in the literature in individuals affected with NBN-related conditions. ClinVar contains an entry for this variant (Variation ID: 370215). Studies have shown that disruption of this splice site results in skipping of exon 2 and introduces a premature termination codon (Invitae). The resulting mRNA is expected to undergo nonsense-mediated decay. In summary, the currently available evidence indicates that the variant is pathogenic, but additional data are needed to prove that conclusively. Therefore, this variant has been classified as Likely Pathogenic.

GeneDx
Classification: Likely pathogenic. Last evaluated: 2023-06-06. Review status: criteria provided, single submitter. Criteria: GeneDx Variant Classification Process June 2021. Collection method: clinical testing. Allele origin: germline. Affected: yes.
Comment: Canonical splice site variant predicted to result in a null allele in a gene for which loss of function is a known mechanism of disease; Not observed at significant frequency in large population cohorts (gnomAD); Observed in individuals evaluated by exome sequencing without any known family history of hereditary disease (Capalbo et al., 2019); This variant is associated with the following publications: (PMID: 16415040, 9590180, 31589614)

Quest Diagnostics Nichols Institute San Juan Capistrano
Classification: Likely pathogenic. Last evaluated: 2017-09-29. Review status: criteria provided, single submitter. Criteria: Quest Diagnostics criteria. Collection method: clinical testing. Allele origin: germline.

Counsyl
Classification: Likely pathogenic for Microcephaly, normal intelligence and immunodeficiency. Last evaluated: 2015-12-15. Review status: no assertion criteria provided. Collection method: clinical testing. Allele origin: unknown. Not counted in ClinVar's aggregate classification.

Joint Genome Diagnostic Labs from Nijmegen and Maastricht, Radboudumc and MUMC+
Classification: Likely pathogenic. Review status: no assertion criteria provided. Collection method: clinical testing. Allele origin: germline. Affected: yes. Study: VKGL Data-share Consensus. Not counted in ClinVar's aggregate classification.

Laboratory of Diagnostic Genome Analysis, Leiden University Medical Center (LUMC)
Classification: Likely pathogenic. Review status: no assertion criteria provided. Collection method: clinical testing. Allele origin: germline. Affected: yes. Study: VKGL Data-share Consensus. Not counted in ClinVar's aggregate classification.

NM_002485.5(NBN):c.171+1G>A

Gene: NBN (nibrin; minus strand). Cytogenetic location: 8q21.3.
Variant type: single nucleotide variant.
Coding change: c.171+1G>A on transcript NM_002485.5 (MANE Select); the canonical splice donor site of the intron after coding-DNA position 171, G replaced by A.
Molecular consequence: splice donor variant.
Genome position (GRCh38, 1-based): chr8:89,982,721, C>T on the plus strand (G>A on the coding strand, the complement: NBN is on the minus strand). VCF-style: chr8-89982721-C-T. GRCh37 (hg19) VCF-style: chr8-90994949-C-T.
Other names: c.-126+1G>A (NM_001024688.3).
Identifiers: ClinVar variation 370215 (VCV000370215.27), dbSNP rs931715719, ClinGen allele CA16041215.